The following continues an entry in ClinVar:

NM_000238.4(KCNH2):c.526C>T (p.Arg176Trp)

Gene: KCNH2. ClinVar aggregate classification (germline): Conflicting classifications of pathogenicity. Pathogenic (2); Uncertain significance (12); Likely benign (6).

Submissions 10 to 23 of 23:

GeneDx
Classification: Likely benign. Last evaluated: 2024-12-26. Review status: criteria provided, single submitter. Criteria: GeneDx Variant Classification Process June 2021. Collection method: clinical testing. Allele origin: germline. Affected: yes.
Comment: Reported in association with LQTS but also present in asymptomatic individuals, control individuals, and individuals who harbor additional cardiogenetic variants referred for genetic testing at GeneDx or in published literature (PMID: 10483966, 10862094, 14661677, 17161064, 16754261, 22067087, 23098067, 24606995, 26063740, 28003625); In silico analysis supports that this missense variant has a deleterious effect on protein structure/function; Electrophysiological studies suggest the presence of the p.(R176W) variant may lead to changes in HERG channel function under various experimental conditions; however, other functional studies suggest that this variant has a benign effect (PMID: 22052944, 16754261, 23303164, 34002542); This variant is associated with the following publications: (PMID: 14661677, 22067087, 25351510, 25467552, 32383558, 22429796, 17161064, 19160088, 24606995, 16754261, 16818214, 17222736, 23098067, 23651034, 22677073, 26063740, 27026928, 28003625, 27650965, 22949429, 28255936, 15176425, 29622001, 15541256, 19673885, 10862094, 19841300, 19862833, 21244686, 20875080, 21956039, 23193492, 22402074, 22659597, 23631430, 25554238, 26749013, 27064559, 30847666, 34002542, 23303164, 28988457, 32048431, 31539150, 31737537, 33517668, 33435129, 34426522, 32659924, 22052944, 10483966, 35640313, 34841674, 35911527, 34309407, 35103483, 37128929, 36860515, 36597672, 36693943, 38219013, 37324772, ZhangH2023[Abstract], 38254962, 36269083, 37614113, 38014677)

Dept of Medical Biology, Uskudar University
Classification: Uncertain significance for Long QT syndrome. Last evaluated: 2024-01-08. Review status: criteria provided, single submitter. Criteria: Dept of Medical Biology Variant Classification. Collection method: research. Allele origin: paternal. Affected: yes. Observed: 1 variant allele.
Comment: Criteria: BS1, PP2, PP3

Molecular Diagnostic Laboratory for Inherited Cardiovascular Disease, Montreal Heart Institute
Classification: Uncertain significance for Long QT syndrome. Last evaluated: 2022-11-10. Review status: criteria provided, single submitter. Criteria: ACMG Guidelines, 2015. Collection method: clinical testing. Allele origin: germline. Affected: yes.
Comment: Risk factor for disease development: PS4; PP1_strong; PS3_mod; PP2; PP3; BS1; BS2

MGZ Medical Genetics Center
Classification: Uncertain significance for Long QT syndrome 2. Last evaluated: 2022-05-31. Review status: criteria provided, single submitter. Criteria: ACMG Guidelines, 2015. Collection method: clinical testing. Allele origin: germline. Affected: yes. Observed: 1 variant allele.
Comment: ACMG criteria applied: PP3, BS1

Centre of Medical Genetics, University Hospital Muenster
Classification: Uncertain significance for Prolonged QT interval. Last evaluated: 2022-04-08. Review status: criteria provided, single submitter. Criteria: ACMG Guidelines, 2015. Collection method: clinical testing. Allele origin: germline. Affected: yes. Observed: 1 variant allele, 1 heterozygote.
Comment: ACMG categories: PM2,PP3

Department of Pathology and Laboratory Medicine, Sinai Health System
Classification: Uncertain significance for Short QT syndrome type 1; Long QT syndrome 2. Last evaluated: 2021-10-16. Review status: criteria provided, single submitter. Criteria: ACMG Guidelines, 2015. Collection method: research. Allele origin: germline.

Mendelics
Classification: Uncertain significance for Long QT syndrome 2. Last evaluated: 2019-05-28. Review status: criteria provided, single submitter. Criteria: Mendelics Assertion Criteria 2017. Collection method: clinical testing. Allele origin: unknown.

Centre for Mendelian Genomics, University Medical Centre Ljubljana
Classification: Uncertain significance for Short QT syndrome type 1. Last evaluated: 2019-01-21. Review status: criteria provided, single submitter. Criteria: ACMG Guidelines, 2015. Collection method: clinical testing. Allele origin: unknown. Affected: yes.
Comment: This variant was classified as: Uncertain significance. The following ACMG criteria were applied in classifying this variant: PP3.

Institute of Human Genetics, University of Leipzig Medical Center
Classification: Likely benign for Long QT syndrome 2. Last evaluated: 2019-01-01. Review status: criteria provided, single submitter. Criteria: ACMG Guidelines, 2015. Collection method: clinical testing. Allele origin: unknown. Affected: yes.

Illumina Laboratory Services, Illumina
Classification: Uncertain significance for Long QT syndrome 2. Last evaluated: 2018-11-09. Review status: criteria provided, single submitter. Criteria: ICSLVariantClassificationCriteria RUGD 01 April 2020. Collection method: clinical testing. Allele origin: unknown.
Comment: The KCNH2 c.526C>T p.(Arg176Trp) missense has been widely reported in association with long QT syndrome (LQTS) and described as a founder variant in the Finnish population. Across a selection of the available literature, the variant has been identified in a heterozygous state in at least 100 of approximately 3,000 patients with LQTS or prolonged QTc intervals, and a significant increase in QTc in carriers compared to non-carriers has been demonstrated (Swan et al. 1999; Laitinen et al. 2000; Ackerman et al. 2003; Tester et al. 2006; Fodstad et al. 2004; Fodstad et al. 2006; Marjamaa et al. 2009; Giudicessi et al. 2012; Lahtinen et al. 2013; Koponen et al. 2015). Notably, however, many individual carriers remain asymptomatic and have QTc intervals that do not meet diagnostic criteria for LQTS. The variant has also been proposed to act as a risk factor for cardiac events; Koponen et al. (2018) reported a hazard ratio of cardiac events at age 18-40 years, before initiation of beta-blocker therapy, of 5.87 (95% CI 2.89-11.9). The p.(Arg176Trp) variant has also been identified in a compound or double heterozygous state with a second pathogenic variant, suggesting it may exert a modifying effect. This variant is reported at a frequency of 0.001231 in the European (Finnish) population of the Genome Aggregation Database (version 2.1.). This frequency is higher than expected given the known prevalence, penetrance, and inheritance of LQTS. Functional studies of the p.(Arg176Trp) variant have provided conflicting results. When the variant was expressed independently in COS-7 cells, a reduction in current density and tail current to approximately 25% of wildtype and a slight acceleration of deactivation kinetics was observed (Fostad et al. 2006). However, when co-expressed with wildtype, the current reduction was no longer present, suggesting the absence of a dominant-negative effect. In cardiomyocytes derived from iPS cells from an asymptomatic carrier, the rapid delayed potassium channel density was significantly reduced, and at low beating rates, the repolarization time was significantly prolonged compared to that in control cells (Lahti et al. 2012). However, no positive control variants were included and the potential influence of additional variants in the carrier from whom the cells originated was not excluded. In addition, in zebrafish, both wildtype and R176W KCNH2 showed a similar ability to rescue the effect of morpholino-mediated gene knockdown, suggesting a benign effect of the variant (Jou et al. 2013). This variant affects a conserved residue but is not located in a mutational hotspot or functional domain. While missense variants are a known mechanism of disease for LQTS, benign missense variants have been reported, including in the region surrounding position 176. Based on the collective evidence, the c.526C>T p.(Arg176Trp) variant is classified as a variant of uncertain significance for long QT syndrome.

Laboratory for Molecular Medicine, Mass General Brigham Personalized Medicine
Classification: Uncertain significance. Last evaluated: 2017-02-03. Review status: criteria provided, single submitter. Criteria: LMM Criteria. Collection method: clinical testing. Allele origin: germline.
Comment: Variant identified in a genome or exome case(s) and assessed due to predicted null impact of the variant or pathogenic assertions in the literature or databases. Disclaimer: This variant has not undergone full assessment. The following are preliminary notes: This variant is present in HGMD in 8 papers, in affected and unaffected individuals, with some suggesting benign, others pathogenic and one calling it a Finnish founder mutation. It is classified in ClinVar with 1 star as Likely benign by Invitae, VUS by GeneDx and risk factor by Blueprint genomics. It is not present in ExAC but has a max MAF in gnomAD of 0.12% (10/8048 Finnish alleles and 33 european alleles). Note from April 2016: This variant has not undergone full assessment. The following are preliminary notes: conflicting reports. Also very difficult to do the full NVA because most papers we do not have access at. Possibly upgrade to VUS4? OB 12/28/15: VUS4 based on the full NVA. Heidi agrees that it is VUS4 and does not meet criteria for reporting.

Zotz-Klimas Genetics Lab, MVZ Zotz Klimas
Classification: Uncertain significance for Long QT syndrome 2. Last evaluated: 2023-11-24. Review status: no assertion criteria provided. Collection method: clinical testing. Allele origin: germline. Affected: yes. Not counted in ClinVar's aggregate classification.

Clinical Molecular Genetics Laboratory, Johns Hopkins All Children's Hospital
Classification: Uncertain significance. Last evaluated: 2015-11-10. Review status: no assertion criteria provided. Collection method: clinical testing. Allele origin: germline. Affected: yes. Not counted in ClinVar's aggregate classification.

Cardiovascular Biomedical Research Unit, Royal Brompton & Harefield NHS Foundation Trust
No classification provided. Review status: no classification provided. Collection method: literature only. Allele origin: germline. Not counted in ClinVar's aggregate classification.
Comment: This variant has been reported in the following publications (PMID:10483966;PMID:10862094;PMID:14661677;PMID:16818214;PMID:17161064;PMID:19160088;PMID:19841300;PMID:19862833;PMID:16754261;PMID:22052944;PMID:22429796).

Literature cited by the submitters: PubMed 17161064 (cited by Women's Health and Genetics/Laboratory Corporation of America, LabCorp and Cardiovascular Biomedical Research Unit, Royal Brompton & Harefield NHS Foundation Trust); PubMed 14661677 (cited by 3 submitters); PubMed 10862094 (cited by 3 submitters); PubMed 19841300 (cited by Women's Health and Genetics/Laboratory Corporation of America, LabCorp and Cardiovascular Biomedical Research Unit, Royal Brompton & Harefield NHS Foundation Trust); PubMed 23303164 (cited by Women's Health and Genetics/Laboratory Corporation of America, LabCorp and Ambry Genetics); PubMed 10483966 (cited by 3 submitters); PubMed 26063740 (cited by Women's Health and Genetics/Laboratory Corporation of America, LabCorp); PubMed 19160088 (cited by 3 submitters); PubMed 30847666 (cited by Women's Health and Genetics/Laboratory Corporation of America, LabCorp and Ambry Genetics); PubMed 16754261 (cited by 3 submitters); PubMed 34309407 (cited by Women's Health and Genetics/Laboratory Corporation of America, LabCorp and Ambry Genetics); PubMed 33517668 (cited by Women's Health and Genetics/Laboratory Corporation of America, LabCorp); PubMed 15176425 (cited by Ambry Genetics); PubMed 19673885 (cited by Ambry Genetics); PubMed 22052944 (cited by Ambry Genetics and Cardiovascular Biomedical Research Unit, Royal Brompton & Harefield NHS Foundation Trust); PubMed 22067087 (cited by Ambry Genetics); PubMed 27650965 (cited by Ambry Genetics); PubMed 28003625 (cited by Ambry Genetics); PubMed 28255936 (cited by Ambry Genetics); PubMed 28988457 (cited by Ambry Genetics); PubMed 29622001 (cited by Ambry Genetics); PubMed 31539150 (cited by Ambry Genetics); PubMed 32048431 (cited by Ambry Genetics); PubMed 32659924 (cited by Ambry Genetics); PubMed 34002542 (cited by Ambry Genetics); PubMed 34426522 (cited by Ambry Genetics); PubMed 34841674 (cited by Ambry Genetics); PubMed 16818214 (cited by Cardiovascular Biomedical Research Unit, Royal Brompton & Harefield NHS Foundation Trust); PubMed 19862833 (cited by Cardiovascular Biomedical Research Unit, Royal Brompton & Harefield NHS Foundation Trust); PubMed 22429796 (cited by Cardiovascular Biomedical Research Unit, Royal Brompton & Harefield NHS Foundation Trust); PubMed 22581653 (cited by Cardiovascular Biomedical Research Unit, Royal Brompton & Harefield NHS Foundation Trust).